The following is an entry in ClinVar:

NM_007194.4(CHEK2):c.60G>T (p.Gln20His)

Gene: CHEK2 (checkpoint kinase 2; minus strand). Cytogenetic location: 22q12.1.
Variant type: single nucleotide variant.
Coding change: c.60G>T on transcript NM_007194.4 (MANE Select); coding-DNA position 60, G replaced by T.
Protein change: p.Gln20His; replaces glutamine 20 with histidine.
Molecular consequence: missense variant.
Genome position (GRCh38, 1-based): chr22:28,734,662, C>A on the plus strand (G>T on the coding strand, the complement: CHEK2 is on the minus strand). VCF-style: chr22-28734662-C-A. GRCh37 (hg19) VCF-style: chr22-29130650-C-A.
Other names: c.60G>T, p.Gln20His (NM_001005735.3, NM_001349956.3, NM_145862.3); c.-718G>T (NM_001257387.3); short protein forms Q20H.
Identifiers: ClinVar variation 530100 (VCV000530100.16), dbSNP rs375507194, ClinGen allele CA10168079.

ClinVar aggregate classification (germline): Uncertain significance. Review status: criteria provided, multiple submitters, no conflicts (2 of 4 stars). 3 submissions from 3 submitters: Uncertain significance (3). Last evaluated 2024-06-28.

Conditions:
Hereditary cancer-predisposing syndrome. Also called: Hereditary neoplastic syndrome; Neoplastic Syndromes, Hereditary; Hereditary Cancer Syndrome; Tumor predisposition. Identifiers: Orphanet 140162, MedGen C0027672, MeSH D009386, MONDO:0015356.
Familial cancer of breast. Also called: BREAST CANCER, FAMILIAL; Hereditary breast cancer; hereditary breast carcinoma. Identifiers: Orphanet 227535, MedGen C0346153, MONDO:0016419, OMIM 114480. Disease mechanism: loss of function.

Allele frequency attached by ClinVar (database versions not stated): gnomAD exomes 0.00001 and 0.00002; ExAC 0.00003.
gnomAD v4.1: 10 of 1,613,916 alleles (0.00062%); highest among the groups gnomAD compares: South Asian, 0.011%; no homozygotes.

Submissions (3):

Labcorp Genetics (formerly Invitae), Labcorp
Classification: Uncertain significance for Familial cancer of breast. Last evaluated: 2024-06-28. Review status: criteria provided, single submitter. Criteria: Invitae Variant Classification Sherloc (09022015). Collection method: clinical testing. Allele origin: germline.
Comment: This sequence change replaces glutamine, which is neutral and polar, with histidine, which is basic and polar, at codon 20 of the CHEK2 protein (p.Gln20His). This variant is present in population databases (rs375507194, gnomAD 0.02%). This variant has not been reported in the literature in individuals affected with CHEK2-related conditions. ClinVar contains an entry for this variant (Variation ID: 530100). An algorithm developed to predict the effect of missense changes on protein structure and function (PolyPhen-2) suggests that this variant is likely to be disruptive. In summary, the available evidence is currently insufficient to determine the role of this variant in disease. Therefore, it has been classified as a Variant of Uncertain Significance.

Ambry Genetics
Classification: Uncertain significance for Hereditary cancer-predisposing syndrome. Last evaluated: 2024-05-24. Review status: criteria provided, single submitter. Criteria: Ambry Variant Classification Scheme 2023. Collection method: clinical testing. Allele origin: germline.
Comment: The p.Q20H variant (also known as c.60G>T), located in coding exon 1 of the CHEK2 gene, results from a G to T substitution at nucleotide position 60. The glutamine at codon 20 is replaced by histidine, an amino acid with highly similar properties. This alteration was identified in an individual diagnosed with breast cancer (Gunawardena K et al. BMC Res Notes, 2023 Jun;16:95). This amino acid position is well conserved on limited sequence alignment. In addition, the in silico prediction for this alteration is inconclusive. Based on the available evidence, the clinical significance of this variant remains unclear.

Color Diagnostics, LLC DBA Color Health
Classification: Uncertain significance for Hereditary cancer-predisposing syndrome. Last evaluated: 2021-03-22. Review status: criteria provided, single submitter. Criteria: ACMG Guidelines, 2015. Collection method: clinical testing. Allele origin: germline.
Comment: This missense variant replaces glutamine with histidine at codon 20 of the CHEK2 protein. Computational prediction suggests that this variant may not impact protein structure and function (internally defined REVEL score threshold <= 0.5, PMID: 27666373). To our knowledge, functional studies have not been reported for this variant. This variant has not been reported in individuals affected with hereditary cancer in the literature. This variant has been identified in 5/247566 chromosomes in the general population by the Genome Aggregation Database (gnomAD). The available evidence is insufficient to determine the role of this variant in disease conclusively. Therefore, this variant is classified as a Variant of Uncertain Significance.

Literature cited by the submitters: PubMed 37277882 (cited by Ambry Genetics).